The following is an entry in ClinVar:

NM_020433.5(JPH2):c.780C>T (p.Ala260=)

Gene: JPH2 (junctophilin 2; minus strand). Cytogenetic location: 20q13.12.
Variant type: single nucleotide variant.
Coding change: c.780C>T on transcript NM_020433.5 (MANE Select); coding-DNA position 780, C replaced by T.
Protein change: p.Ala260=; no amino-acid change (alanine 260 retained).
Molecular consequence: synonymous variant.
Genome position (GRCh38, 1-based): chr20:44,160,007, G>A on the plus strand (C>T on the coding strand, the complement: JPH2 is on the minus strand). VCF-style: chr20-44160007-G-A. GRCh37 (hg19) VCF-style: chr20-42788647-G-A.
Other names: p.Ala260=.
Identifiers: ClinVar variation 226677 (VCV000226677.26), dbSNP rs199840543, ClinGen allele CA9868820.

ClinVar aggregate classification (germline): Benign/Likely benign. Review status: criteria provided, multiple submitters, no conflicts (2 of 4 stars). 9 submissions from 9 submitters: Benign (6); Likely benign (1). 2 of the submissions do not count toward it. Last evaluated 2025-12-14.

Conditions:
Cardiovascular phenotype. Identifiers: MedGen CN230736.
Hypertrophic cardiomyopathy. Also called: HYPERTROPHIC MYOCARDIOPATHY. Identifiers: Orphanet 217569, MedGen C0007194, MeSH D002312, MONDO:0005045, HP:0001639.

Allele frequency attached by ClinVar (database versions not stated): gnomAD 0.00034 and 0.00048; TOPMed 0.00070; gnomAD exomes 0.00126; 1000 Genomes Project 30x 0.00187; ExAC 0.00199; 1000 Genomes Project 0.00200.
gnomAD v4.1: 601 of 1,573,500 alleles (0.038%); highest among the groups gnomAD compares: East Asian, 1.3%; 7 homozygotes.

Submissions (9):

Labcorp Genetics (formerly Invitae), Labcorp
Classification: Benign for Hypertrophic cardiomyopathy. Last evaluated: 2025-12-14. Review status: criteria provided, single submitter. Criteria: Invitae Variant Classification Sherloc (09022015). Collection method: clinical testing. Allele origin: germline.

Mayo Clinic Laboratories, Mayo Clinic
Classification: Benign. Last evaluated: 2025-05-22. Review status: criteria provided, single submitter. Criteria: ACMG Guidelines, 2015. Collection method: clinical testing. Allele origin: germline. Observed: 1 variant allele.
Comment: BS1, BS2, BP4, BP7

Molecular Diagnostic Laboratory for Inherited Cardiovascular Disease, Montreal Heart Institute
Classification: Benign. Last evaluated: 2025-04-09. Review status: criteria provided, single submitter. Criteria: ACMG Guidelines, 2015. Collection method: clinical testing. Allele origin: germline. Affected: no.

Blueprint Genetics
Classification: Likely benign. Last evaluated: 2024-03-07. Review status: criteria provided, single submitter. Criteria: ACMG Guidelines, 2015. Collection method: clinical testing. Allele origin: germline.

Ambry Genetics
Classification: Benign for Cardiovascular phenotype. Last evaluated: 2016-08-11. Review status: criteria provided, single submitter. Criteria: Ambry Variant Classification Scheme 2023. Collection method: clinical testing. Allele origin: germline.

GeneDx
Classification: Benign. Last evaluated: 2015-07-16. Review status: criteria provided, single submitter. Criteria: GeneDx Variant Classification (06012015). Collection method: clinical testing. Allele origin: germline. Affected: yes.
Comment: This variant is considered likely benign or benign based on one or more of the following criteria: it is a conservative change, it occurs at a poorly conserved position in the protein, it is predicted to be benign by multiple in silico algorithms, and/or has population frequency not consistent with disease.

Laboratory for Molecular Medicine, Mass General Brigham Personalized Medicine
Classification: Benign. Last evaluated: 2015-06-25. Review status: criteria provided, single submitter. Criteria: LMM Criteria. Collection method: clinical testing. Allele origin: germline. Observed: 1 variant allele.
Comment: p.Ala260Ala in exon 2 of JPH2: This variant is not expected to have clinical sig nificance because it does not alter an amino acid residue, is not located within the splice consensus sequence, and has been identified in 3.5% (73/2104) of Eas t Asian chromosomes, including 3 homozygotes, by the Exome Aggregation Consortiu m (ExAC; dbSNP rs199840543).

Diagnostic Laboratory, Department of Genetics, University Medical Center Groningen
Classification: Likely benign. Review status: no assertion criteria provided. Collection method: clinical testing. Allele origin: germline. Affected: yes. Study: VKGL Data-share Consensus. Not counted in ClinVar's aggregate classification.

Genome Diagnostics Laboratory, University Medical Center Utrecht
Classification: Benign. Review status: no assertion criteria provided. Collection method: clinical testing. Allele origin: germline. Affected: yes. Study: VKGL Data-share Consensus. Not counted in ClinVar's aggregate classification.